The following is an entry in ClinVar:

NM_201384.3(PLEC):c.11476C>T (p.Arg3826Cys)

Gene: PLEC (plectin; minus strand). Cytogenetic location: 8q24.3.
Variant type: single nucleotide variant.
Coding change: c.11476C>T on transcript NM_201384.3 (MANE Select); coding-DNA position 11476, C replaced by T.
Protein change: p.Arg3826Cys; replaces arginine 3826 with cysteine.
Molecular consequence: missense variant.
Genome position (GRCh38, 1-based): chr8:143,918,345, G>A on the plus strand (C>T on the coding strand, the complement: PLEC is on the minus strand). VCF-style: chr8-143918345-G-A. GRCh37 (hg19) VCF-style: chr8-144992513-G-A.
Other names: c.11557C>T, p.Arg3853Cys (NM_000445.5); c.11434C>T, p.Arg3812Cys (NM_201378.4); c.11410C>T, p.Arg3804Cys (NM_201379.3); c.11887C>T, p.Arg3963Cys (NM_201380.4); c.11380C>T, p.Arg3794Cys (NM_201381.3); c.11476C>T, p.Arg3826Cys (NM_201382.4); c.11488C>T, p.Arg3830Cys (NM_201383.3); c.11557C>T (NM_000445.3); short protein forms R3794C, R3804C, R3812C, R3826C, R3830C, R3853C, R3963C.
Identifiers: ClinVar variation 487328 (VCV000487328.28), dbSNP rs781836500, ClinGen allele CA4924344.

ClinVar aggregate classification (germline): Conflicting classifications of pathogenicity. Review status: criteria provided, conflicting classifications (1 of 4 stars). 6 submissions from 6 submitters: Uncertain significance (4); Likely benign (1). 1 of the submissions does not count toward it. Last evaluated 2026-02-01.

Conditions:
Inborn genetic diseases. Identifiers: MedGen C0950123, MeSH D030342.
PLEC-related disorder. Also called: PLEC-related disorders; PLEC-related condition.
Autosomal recessive limb-girdle muscular dystrophy type 2Q (LGMDR17). Also called: MUSCULAR DYSTROPHY, LIMB-GIRDLE, AUTOSOMAL RECESSIVE 17. Identifiers: Orphanet 254361, MedGen C3150989, MONDO:0013390, OMIM 613723.
Epidermolysis bullosa simplex with nail dystrophy (EBS5D). Identifiers: MedGen C4225309, MONDO:0014661, OMIM 616487.
Epidermolysis bullosa simplex 5B, with muscular dystrophy (EBS5B). Also called: EPIDERMOLYSIS BULLOSA SIMPLEX AND LIMB-GIRDLE MUSCULAR DYSTROPHY; Epidermolysis bullosa simplex with muscular dystrophy. Identifiers: Orphanet 257, MedGen C2931072, MONDO:0009181, OMIM 226670.
Epidermolysis bullosa simplex, Ogna type (EBS5A). Also called: EPIDERMOLYSIS BULLOSA SIMPLEX 5A, OGNA TYPE; Pidermolysis bullosa simplex 5A, Ogna type. Identifiers: Orphanet 79401, MedGen C0432317, MONDO:0007555, OMIM 131950.
Epidermolysis bullosa simplex 5C, with pyloric atresia (EBS5C). Also called: PLEC-Related Epidermolysis Bullosa with Pyloric Atresia; PLEC1-Related Epidermolysis Bullosa with Pyloric Atresia; Epidermolysis bullosa simplex with pyloric atresia. Identifiers: Orphanet 158684, MedGen C2677349, MONDO:0012807, OMIM 612138.

Allele frequency attached by ClinVar (database versions not stated): gnomAD exomes 0.00011 and 0.00037; gnomAD 0.00013 and 0.00014; TOPMed 0.00021; ExAC 0.00036.
gnomAD v4.1: 173 of 1,579,434 alleles (0.011%); highest among the groups gnomAD compares: Admixed American, 0.15%; 1 homozygote.

Submissions (6):

Labcorp Genetics (formerly Invitae), Labcorp
Classification: Likely benign for Autosomal recessive limb-girdle muscular dystrophy type 2Q; Epidermolysis bullosa simplex, Ogna type; Epidermolysis bullosa simplex with nail dystrophy; Epidermolysis bullosa simplex 5C, with pyloric atresia; Epidermolysis bullosa simplex 5B, with muscular dystrophy. Last evaluated: 2026-02-01. Review status: criteria provided, single submitter. Criteria: Invitae Variant Classification Sherloc (09022015). Collection method: clinical testing. Allele origin: germline.

GeneDx
Classification: Uncertain significance. Last evaluated: 2023-05-01. Review status: criteria provided, single submitter. Criteria: GeneDx Variant Classification Process June 2021. Collection method: clinical testing. Allele origin: germline. Affected: yes.
Comment: In silico analysis supports that this missense variant has a deleterious effect on protein structure/function; Has not been previously published as pathogenic or benign to our knowledge

Ambry Genetics
Classification: Uncertain significance for Inborn genetic diseases. Last evaluated: 2022-03-23. Review status: criteria provided, single submitter. Criteria: Ambry Variant Classification Scheme 2023. Collection method: clinical testing. Allele origin: germline.

Revvity Omics, Revvity
Classification: Uncertain significance. Last evaluated: 2021-12-16. Review status: criteria provided, single submitter. Criteria: ACMG Guidelines, 2015. Collection method: clinical testing. Allele origin: germline.

Eurofins Ntd Llc (ga)
Classification: Uncertain significance. Last evaluated: 2017-08-01. Review status: criteria provided, single submitter. Criteria: EGL Classification Definitions 2015. Collection method: clinical testing. Allele origin: germline. Observed: 1 variant allele, 1 heterozygote.

PreventionGenetics, part of Exact Sciences
Classification: Likely benign for PLEC-related condition. Last evaluated: 2020-10-31. Review status: no assertion criteria provided. Collection method: clinical testing. Allele origin: germline. Not counted in ClinVar's aggregate classification.
Comment: This variant is classified as likely benign based on ACMG/AMP sequence variant interpretation guidelines (Richards et al. 2015 PMID: 25741868, with internal and published modifications).